The following is an entry in ClinVar:

ClinVar aggregate classification (germline): Uncertain significance (1 of 4 stars; one submission).

Conditions:
Asphyxiating thoracic dystrophy 5 (SRTD5). Also called: SHORT-RIB THORACIC DYSPLASIA 5 WITH OR WITHOUT POLYDACTYLY; SHORT-RIB THORACIC DYSPLASIA 5 WITHOUT POLYDACTYLY. Identifiers: Orphanet 474, MedGen C3280598, MONDO:0013717, OMIM 614376.
Senior-Loken syndrome 8 (SLSN8). Identifiers: Orphanet 3156, MedGen C4225376, MONDO:0014579, OMIM 616307.

Allele frequency attached by ClinVar (database versions not stated): gnomAD 0.00001; gnomAD exomes 0.00001.
gnomAD v4.1: 10 of 1,608,818 alleles (0.00062%); highest among the groups gnomAD compares: Non-Finnish European, 0.00085%; no homozygotes.

Submission:

Labcorp Genetics (formerly Invitae), Labcorp
Classification: Uncertain significance for Senior-Loken syndrome 8; Asphyxiating thoracic dystrophy 5. Last evaluated: 2024-04-25. Review status: criteria provided, single submitter. Criteria: Invitae Variant Classification Sherloc (09022015). Collection method: clinical testing. Allele origin: germline.
Comment: This sequence change falls in intron 7 of the WDR19 gene. It does not directly change the encoded amino acid sequence of the WDR19 protein. It affects a nucleotide within the consensus splice site. This variant is not present in population databases (gnomAD no frequency). This variant has not been reported in the literature in individuals affected with WDR19-related conditions. ClinVar contains an entry for this variant (Variation ID: 956717). Variants that disrupt the consensus splice site are a relatively common cause of aberrant splicing (PMID: 17576681, 9536098). Algorithms developed to predict the effect of sequence changes on RNA splicing suggest that this variant is not likely to affect RNA splicing. In summary, the available evidence is currently insufficient to determine the role of this variant in disease. Therefore, it has been classified as a Variant of Uncertain Significance.

Literature cited by the submitters: PubMed 17576681; PubMed 9536098.

NM_025132.4(WDR19):c.603+3A>G

Gene: WDR19 (WD repeat domain 19; plus strand). Cytogenetic location: 4p14.
Variant type: single nucleotide variant.
Coding change: c.603+3A>G on transcript NM_025132.4 (MANE Select); 3 bases into the intron after coding-DNA position 603, A replaced by G.
Molecular consequence: intron variant.
Genome position (GRCh38, 1-based): chr4:39,203,725, A>G. VCF-style: chr4-39203725-A-G. GRCh37 (hg19) VCF-style: chr4-39205345-A-G.
Other names: c.123+3A>G (NM_001317924.2).
Identifiers: ClinVar variation 956717 (VCV000956717.7), dbSNP rs1727609864, ClinGen allele CA1061333911.